The following is an entry in ClinVar:

NM_177438.3(DICER1):c.1711A>T (p.Ser571Cys)

Gene: DICER1 (dicer 1, ribonuclease III; minus strand). Cytogenetic location: 14q32.13.
Variant type: single nucleotide variant.
Coding change: c.1711A>T on transcript NM_177438.3 (MANE Select); coding-DNA position 1711, A replaced by T.
Protein change: p.Ser571Cys; replaces serine 571 with cysteine.
Molecular consequence: missense variant. On other transcripts: non-coding transcript variant (6).
Genome position (GRCh38, 1-based): chr14:95,116,494, T>A on the plus strand (A>T on the coding strand, the complement: DICER1 is on the minus strand). VCF-style: chr14-95116494-T-A. GRCh37 (hg19) VCF-style: chr14-95582831-T-A.
Other names: c.1711A>T, p.Ser571Cys (NM_001195573.1, NM_001271282.3, NM_001291628.2 and 12 more transcripts); c.1429A>T, p.Ser477Cys (NM_001395686.1); c.1306A>T, p.Ser436Cys (NM_001395687.1, NM_001395688.1, NM_001395689.1 and 3 more transcripts); c.1144A>T, p.Ser382Cys (NM_001395691.1); c.28A>T, p.Ser10Cys (NM_001395697.1); short protein forms S382C, S571C, S436C, S10C, S477C.
Identifiers: ClinVar variation 4011614 (VCV004011614.1).

ClinVar aggregate classification (germline): Uncertain significance (1 of 4 stars; one submission).

Conditions:
Hereditary cancer-predisposing syndrome. Also called: Tumor predisposition; Hereditary neoplastic syndrome; Neoplastic Syndromes, Hereditary; Hereditary Cancer Syndrome. Identifiers: Orphanet 140162, MedGen C0027672, MeSH D009386, MONDO:0015356.

Submission:

Ambry Genetics
Classification: Uncertain significance for Hereditary cancer-predisposing syndrome. Last evaluated: 2025-04-06. Review status: criteria provided, single submitter. Criteria: Ambry Variant Classification Scheme 2023. Collection method: clinical testing. Allele origin: germline.
Comment: The p.S571C variant (also known as c.1711A>T), located in coding exon 9 of the DICER1 gene, results from an A to T substitution at nucleotide position 1711. The serine at codon 571 is replaced by cysteine, an amino acid with dissimilar properties. This amino acid position is conserved. In addition, this alteration is predicted to be tolerated by in silico analysis. Based on the available evidence, the clinical significance of this variant remains unclear.